The following is an entry in ClinVar:

ClinVar aggregate classification (germline): Uncertain significance (1 of 4 stars; one submission).

Conditions:
Polyglandular autoimmune syndrome, type 1 (APS1). Also called: Autoimmune polyendocrine syndrome type 1; HYPOADRENOCORTICISM WITH HYPOPARATHYROIDISM AND SUPERFICIAL MONILIASIS; PGA I; AUTOIMMUNE POLYENDOCRINE SYNDROME, TYPE I, WITH OR WITHOUT REVERSIBLE METAPHYSEAL DYSPLASIA; APS I; Whitaker syndrome. Identifiers: Orphanet 3453, MedGen C0085859, MONDO:0009411, OMIM 240300.

Allele frequency attached by ClinVar (database versions not stated): gnomAD 0.00002; TOPMed 0.00002.

Submission:

Labcorp Genetics (formerly Invitae), Labcorp
Classification: Uncertain significance for Polyglandular autoimmune syndrome, type 1. Last evaluated: 2022-02-03. Review status: criteria provided, single submitter. Criteria: Invitae Variant Classification Sherloc (09022015). Collection method: clinical testing. Allele origin: germline.
Comment: This sequence change replaces aspartic acid, which is acidic and polar, with glutamic acid, which is acidic and polar, at codon 36 of the AIRE protein (p.Asp36Glu). This variant is present in population databases (no rsID available, gnomAD 0.02%). This variant has not been reported in the literature in individuals affected with AIRE-related conditions. ClinVar contains an entry for this variant (Variation ID: 966724). Algorithms developed to predict the effect of missense changes on protein structure and function are either unavailable or do not agree on the potential impact of this missense change (SIFT: "Deleterious"; PolyPhen-2: "Benign"; Align-GVGD: "Class C0"). In summary, the available evidence is currently insufficient to determine the role of this variant in disease. Therefore, it has been classified as a Variant of Uncertain Significance.

NM_000383.4(AIRE):c.108C>A (p.Asp36Glu)

Gene: AIRE (autoimmune regulator; plus strand). Cytogenetic location: 21q22.3.
Variant type: single nucleotide variant.
Coding change: c.108C>A on transcript NM_000383.4 (MANE Select); coding-DNA position 108, C replaced by A.
Protein change: p.Asp36Glu; replaces aspartic acid 36 with glutamic acid.
Molecular consequence: missense variant.
Genome position (GRCh38, 1-based): chr21:44,286,114, C>A. VCF-style: chr21-44286114-C-A. GRCh37 (hg19) VCF-style: chr21-45705997-C-A.
Other names: short protein forms D36E.
Identifiers: ClinVar variation 966724 (VCV000966724.7), dbSNP rs758891043, ClinGen allele CA410423123.